The following is an entry in ClinVar:

NM_006361.6(HOXB13):c.518C>G (p.Ala173Gly)

Gene: HOXB13 (homeobox B13; minus strand). Cytogenetic location: 17q21.32.
Variant type: single nucleotide variant.
Coding change: c.518C>G on transcript NM_006361.6 (MANE Select); coding-DNA position 518, C replaced by G.
Protein change: p.Ala173Gly; replaces alanine 173 with glycine.
Molecular consequence: missense variant.
Genome position (GRCh38, 1-based): chr17:48,728,076, G>C on the plus strand (C>G on the coding strand, the complement: HOXB13 is on the minus strand). VCF-style: chr17-48728076-G-C. GRCh37 (hg19) VCF-style: chr17-46805438-G-C.
Other names: short protein forms A173G.
Identifiers: ClinVar variation 953434 (VCV000953434.13), dbSNP rs2038231316, ClinGen allele CA400107280.
Genomic context (GRCh38, chr17:48,728,076, plus strand): 5'-GGACCTGGTGGGTTCTGTTCTCCCTGGCAACACATCTGGCTGTTCCAGCCACCAGCGAGA[G>C]CCCAAGACTGGTAACTGTCCACAGGCAACAGGGAGTCATGTCGCGGTTCTCCAGGAGCAC-3'
Protein context (NP_006352.2, residues 163-183): LLPVDSYQSW[Ala173Gly]LAGGWNSQMC

ClinVar aggregate classification (germline): Uncertain significance. Review status: criteria provided, multiple submitters, no conflicts (2 of 4 stars). 2 submissions from 2 submitters: Uncertain significance (2). Last evaluated 2025-01-15.

Conditions:
Hereditary cancer-predisposing syndrome. Also called: Hereditary neoplastic syndrome; Tumor predisposition; Neoplastic Syndromes, Hereditary; Hereditary Cancer Syndrome. Identifiers: Orphanet 140162, MedGen C0027672, MeSH D009386, MONDO:0015356.

Submissions (2):

Labcorp Genetics (formerly Invitae), Labcorp
Classification: Uncertain significance. Last evaluated: 2025-01-15. Review status: criteria provided, single submitter. Criteria: Invitae Variant Classification Sherloc (09022015). Collection method: clinical testing. Allele origin: germline.
Comment: This sequence change replaces alanine, which is neutral and non-polar, with glycine, which is neutral and non-polar, at codon 173 of the HOXB13 protein (p.Ala173Gly). This variant is not present in population databases (gnomAD no frequency). This variant has not been reported in the literature in individuals affected with HOXB13-related conditions. ClinVar contains an entry for this variant (Variation ID: 953434). Invitae Evidence Modeling of protein sequence and biophysical properties (such as structural, functional, and spatial information, amino acid conservation, physicochemical variation, residue mobility, and thermodynamic stability) indicates that this missense variant is not expected to disrupt HOXB13 protein function with a negative predictive value of 80%. In summary, the available evidence is currently insufficient to determine the role of this variant in disease. Therefore, it has been classified as a Variant of Uncertain Significance.

Ambry Genetics
Classification: Uncertain significance for Hereditary cancer-predisposing syndrome. Last evaluated: 2024-05-04. Review status: criteria provided, single submitter. Criteria: Ambry Variant Classification Scheme 2023. Collection method: clinical testing. Allele origin: germline.
Comment: The p.A173G variant (also known as c.518C>G), located in coding exon 1 of the HOXB13 gene, results from a C to G substitution at nucleotide position 518. The alanine at codon 173 is replaced by glycine, an amino acid with similar properties. This amino acid position is conserved. In addition, the in silico prediction for this alteration is inconclusive. Since supporting evidence is limited at this time, the clinical significance of this alteration remains unclear.